The following is an entry in ClinVar:

NM_182919.4(TICAM1):c.696C>T (p.Asp232=)

Gene: TICAM1 (TIR domain containing adaptor molecule 1; minus strand). Cytogenetic location: 19p13.3.
Variant type: single nucleotide variant.
Coding change: c.696C>T on transcript NM_182919.4 (MANE Select); coding-DNA position 696, C replaced by T.
Protein change: p.Asp232=; no amino-acid change (aspartic acid 232 retained).
Molecular consequence: synonymous variant.
Genome position (GRCh38, 1-based): chr19:4,817,682, G>A on the plus strand (C>T on the coding strand, the complement: TICAM1 is on the minus strand). VCF-style: chr19-4817682-G-A. GRCh37 (hg19) VCF-style: chr19-4817694-G-A.
Other names: c.654C>T, p.Asp218= (NM_001385678.1); c.561C>T, p.Asp187= (NM_001385679.1); c.54C>T, p.Asp18= (NM_001385680.1).
Identifiers: ClinVar variation 473296 (VCV000473296.53), dbSNP rs574449966, ClinGen allele CA9105303.

ClinVar aggregate classification (germline): Likely benign. Review status: criteria provided, multiple submitters, no conflicts (2 of 4 stars). 3 submissions from 3 submitters: Likely benign (3). Last evaluated 2025-05-30.

Conditions:
Encephalopathy, acute, infection-induced (herpes-specific), susceptibility to, 6. Also called: Herpes simplex encephalitis, susceptibility to, 4. Identifiers: Orphanet 1930, MedGen C3553869, MONDO:0013921, OMIM 614850.

Allele frequency attached by ClinVar (database versions not stated): 1000 Genomes Project 30x 0.00016; TOPMed 0.00005; 1000 Genomes Project 0.00020; gnomAD exomes 0.00037; gnomAD 0.00018; ExAC 0.00033.

Submissions (3):

Labcorp Genetics (formerly Invitae), Labcorp
Classification: Likely benign for Encephalopathy, acute, infection-induced (herpes-specific), susceptibility to, 6. Last evaluated: 2025-05-30. Review status: criteria provided, single submitter. Criteria: Invitae Variant Classification Sherloc (09022015). Collection method: clinical testing. Allele origin: germline.

Blueprint Genetics
Classification: Likely benign. Last evaluated: 2024-09-19. Review status: criteria provided, single submitter. Criteria: ACMG Guidelines, 2015. Collection method: clinical testing. Allele origin: germline.

CeGaT Center for Human Genetics Tuebingen
Classification: Likely benign. Last evaluated: 2022-09-01. Review status: criteria provided, single submitter. Criteria: CeGaT Center For Human Genetics Tuebingen Variant Classification Criteria Version 2. Collection method: clinical testing. Allele origin: germline. Affected: yes. Observed: 2 variant alleles.
Comment: TICAM1: BP4, BP7